The following is an entry in ClinVar:

ClinVar aggregate classification (germline): Pathogenic (1 of 4 stars; one submission).

Submission:

Labcorp Genetics (formerly Invitae), Labcorp
Classification: Pathogenic. Last evaluated: 2025-01-29. Review status: criteria provided, single submitter. Criteria: Invitae Variant Classification Sherloc (09022015). Collection method: clinical testing. Allele origin: germline.
Comment: This sequence change creates a premature translational stop signal (p.Arg357Glyfs*2) in the IMPG1 gene. It is expected to result in an absent or disrupted protein product. Loss-of-function variants in IMPG1 are known to be pathogenic (PMID: 23993198). This variant is not present in population databases (gnomAD no frequency). This variant has not been reported in the literature in individuals affected with IMPG1-related conditions. For these reasons, this variant has been classified as Pathogenic.

Literature cited by the submitters: PubMed 23993198.

NM_001563.4(IMPG1):c.1069del (p.Arg357fs)

Gene: IMPG1 (interphotoreceptor matrix proteoglycan 1; minus strand). Cytogenetic location: 6q14.1.
Variant type: Deletion.
Coding change: c.1069del on transcript NM_001563.4 (MANE Select); coding-DNA position 1069, one base deleted (A; older notation c.1069delA).
Protein change: p.Arg357fs; shifts the reading frame from arginine 357.
Molecular consequence: frameshift variant.
Genome position (GRCh38, 1-based): chr6:76,005,353, T deleted on the plus strand (A on the coding strand, the reverse complement: IMPG1 is on the minus strand); the first of 4 consecutive T bases (chr6:76,005,353-76,005,356); deleting any one gives the same sequence. VCF-style (leftmost placement, unchanged base first): chr6-76005352-CT-C. GRCh37 (hg19) VCF-style: chr6-76715069-CT-C.
Other names: c.835del, p.Arg279fs (NM_001282368.2); short protein forms R279fs, R357fs.
Identifiers: ClinVar variation 3670487 (VCV003670487.2).
Genomic context (GRCh38, chr6:76,005,352, plus strand): 5'-GTGAACTGAATTGTCCCCACATCCAAAGATTGTTCTTCCTCTAGTGCTTTGCTGATCAGC[CT>C]TTTGAGGTCTGTAGCTGTGAGATAGATTTCTGGTTGCTTGTCCTCCTCCATGGTTCCATG-3'